The following is an entry in ClinVar:

ClinVar aggregate classification (germline): Uncertain significance (1 of 4 stars; one submission).

Submission:

ARUP Laboratories, Molecular Genetics and Genomics, ARUP Laboratories
Classification: Uncertain significance. Last evaluated: 2021-07-23. Review status: criteria provided, single submitter. Criteria: ARUP Molecular Germline Variant Investigation Process 2021. Collection method: clinical testing. Allele origin: germline.
Comment: The TGFB3 c.227C>T; p.Thr76Ile variant, to our knowledge, is not reported in the medical literature or gene-specific databases. This variant is also absent from general population databases (Exome Variant Server, Genome Aggregation Database), indicating it is not a common polymorphism. The threonine at codon 76 is highly conserved, and computational analyses are uncertain whether this variant is neutral or deleterious (REVEL: 0.664). Due to limited information, the clinical significance of the p.Thr76Ile variant is uncertain at this time.

NM_003239.5(TGFB3):c.227C>T (p.Thr76Ile)

Gene: TGFB3 (transforming growth factor beta 3; minus strand). Cytogenetic location: 14q24.3.
Variant type: single nucleotide variant.
Coding change: c.227C>T on transcript NM_003239.5 (MANE Select); coding-DNA position 227, C replaced by T.
Protein change: p.Thr76Ile; replaces threonine 76 with isoleucine.
Molecular consequence: missense variant.
Genome position (GRCh38, 1-based): chr14:75,980,667, G>A on the plus strand (C>T on the coding strand, the complement: TGFB3 is on the minus strand). VCF-style: chr14-75980667-G-A. GRCh37 (hg19) VCF-style: chr14-76447010-G-A.
Other names: c.227C>T, p.Thr76Ile (NM_001329938.2, NM_001329939.2); short protein forms T76I.
Identifiers: ClinVar variation 1330768 (VCV001330768.7), dbSNP rs2140254321, ClinGen allele CA390471331.